The following is an entry in ClinVar:

NM_015404.4(WHRN):c.1352G>A (p.Gly451Asp)

Gene: WHRN (whirlin; minus strand). Cytogenetic location: 9q32.
Variant type: single nucleotide variant.
Coding change: c.1352G>A on transcript NM_015404.4 (MANE Select); coding-DNA position 1352, G replaced by A.
Protein change: p.Gly451Asp; replaces glycine 451 with aspartic acid.
Molecular consequence: missense variant.
Genome position (GRCh38, 1-based): chr9:114,424,398, C>T on the plus strand (G>A on the coding strand, the complement: WHRN is on the minus strand). VCF-style: chr9-114424398-C-T. GRCh37 (hg19) VCF-style: chr9-117186678-C-T.
Other names: c.203G>A, p.Gly68Asp (NM_001083885.3); c.1352G>A, p.Gly451Asp (NM_001173425.2); c.299G>A, p.Gly100Asp (NM_001346890.1); short protein forms G451D, G100D, G68D.
Identifiers: ClinVar variation 45649 (VCV000045649.20), dbSNP rs117352600, ClinGen allele CA136872.

ClinVar aggregate classification (germline): Benign/Likely benign. Review status: criteria provided, multiple submitters, no conflicts (2 of 4 stars). 6 submissions from 5 submitters: Benign (5); Likely benign (1). Last evaluated 2025-02-01.

Conditions:
Autosomal recessive nonsyndromic hearing loss 31. Also called: WHIRLER, MOUSE, HOMOLOG OF. Identifiers: Orphanet 90636, MedGen C1846839, MONDO:0011767, OMIM 607084.
Usher syndrome type 2D. Also called: USHER SYNDROME, TYPE IID. Identifiers: Orphanet 231178, Orphanet 886, MedGen C1568249, MONDO:0012662, OMIM 611383.

Allele frequency attached by ClinVar (database versions not stated): ESP Exome Variant Server 0.00038; gnomAD 0.00120 and 0.00163; gnomAD exomes 0.00133 and 0.00331; TOPMed 0.00193; ExAC 0.00319; 1000 Genomes Project 30x 0.00687; 1000 Genomes Project 0.00759.
gnomAD v4.1: 2,243 of 1,612,848 alleles (0.14%); highest among the groups gnomAD compares: East Asian, 4.2%; 56 homozygotes.

Submissions (6):

CeGaT Center for Human Genetics Tuebingen
Classification: Benign. Last evaluated: 2025-02-01. Review status: criteria provided, single submitter. Criteria: CeGaT Center For Human Genetics Tuebingen Variant Classification Criteria Version 2. Collection method: clinical testing. Allele origin: germline. Affected: yes. Observed: 1 variant allele.
Comment: WHRN: BP4, BS1, BS2

Labcorp Genetics (formerly Invitae), Labcorp
Classification: Benign. Last evaluated: 2019-12-31. Review status: criteria provided, single submitter. Criteria: Invitae Variant Classification Sherloc (09022015). Collection method: clinical testing. Allele origin: germline.

GeneDx
Classification: Benign. Last evaluated: 2018-05-11. Review status: criteria provided, single submitter. Criteria: GeneDx Variant Classification (06012015). Collection method: clinical testing. Allele origin: germline. Affected: yes.
Comment: This variant is considered likely benign or benign based on one or more of the following criteria: it is a conservative change, it occurs at a poorly conserved position in the protein, it is predicted to be benign by multiple in silico algorithms, and/or has population frequency not consistent with disease.

Illumina Laboratory Services, Illumina
Classification: Likely benign for Autosomal recessive nonsyndromic hearing loss 31. Last evaluated: 2018-01-12. Review status: criteria provided, single submitter. Criteria: ICSL Variant Classification Criteria 13 December 2019. Collection method: clinical testing. Allele origin: germline.
Comment: This variant was observed in the ICSL laboratory as part of a predisposition screen in an ostensibly healthy population. It had not been previously curated by ICSL or reported in the Human Gene Mutation Database (HGMD: prior to June 1st, 2018), and was therefore a candidate for classification through an automated scoring system. Utilizing variant allele frequency, disease prevalence and penetrance estimates, and inheritance mode, an automated score was calculated to assess if this variant is too frequent to cause the disease. Based on the score and internal cut-off values, a variant classified as likely benign is not then subjected to further curation. The score for this variant resulted in a classification of likely benign for this disease.

Illumina Laboratory Services, Illumina
Classification: Benign for Usher syndrome type 2D. Last evaluated: 2018-01-12. Review status: criteria provided, single submitter. Criteria: ICSL Variant Classification Criteria 13 December 2019. Collection method: clinical testing. Allele origin: germline.
Comment: This variant was observed in the ICSL laboratory as part of a predisposition screen in an ostensibly healthy population. It had not been previously curated by ICSL or reported in the Human Gene Mutation Database (HGMD: prior to June 1st, 2018), and was therefore a candidate for classification through an automated scoring system. Utilizing variant allele frequency, disease prevalence and penetrance estimates, and inheritance mode, an automated score was calculated to assess if this variant is too frequent to cause the disease. Based on the score and internal cut-off values, a variant classified as benign is not then subjected to further curation. The score for this variant resulted in a classification of benign for this disease.

Laboratory for Molecular Medicine, Mass General Brigham Personalized Medicine
Classification: Benign. Last evaluated: 2015-04-17. Review status: criteria provided, single submitter. Criteria: LMM Criteria. Collection method: clinical testing. Allele origin: germline. Observed: 4 variant alleles.
Comment: p.Gly451Asp in exon 7 of DFNB31: This variant is not expected to have clinical s ignificance because it has been identified in 4.1% (357/8636) of East Asian chro mosomes including 10 homozygotes by the Exome Aggregation Consortium (ExAC; dbSNP rs117352600).